The following is an entry in ClinVar:

NM_000069.3(CACNA1S):c.3760C>T (p.Arg1254Ter)

Gene: CACNA1S (calcium voltage-gated channel subunit alpha1 S; minus strand). Cytogenetic location: 1q32.1.
Variant type: single nucleotide variant.
Coding change: c.3760C>T on transcript NM_000069.3 (MANE Select); coding-DNA position 3760, C replaced by T.
Protein change: p.Arg1254Ter; replaces arginine 1254 with a stop codon.
Molecular consequence: nonsense.
Genome position (GRCh38, 1-based): chr1:201,053,494, G>A on the plus strand (C>T on the coding strand, the complement: CACNA1S is on the minus strand). VCF-style: chr1-201053494-G-A. GRCh37 (hg19) VCF-style: chr1-201022622-G-A.
Other names: short protein forms R1254*.
Identifiers: ClinVar variation 2038462 (VCV002038462.9), dbSNP rs200034567, ClinGen allele CA344154388.

ClinVar aggregate classification (germline): Pathogenic. Review status: criteria provided, multiple submitters, no conflicts (2 of 4 stars). 2 submissions from 2 submitters: Pathogenic (2). Last evaluated 2024-09-02.

Conditions:
Hypokalemic periodic paralysis, type 1. Also called: HypoPP; Hypokalemic Periodic Paralysis Type 1 (AD). Identifiers: Orphanet 681, MedGen C3714580, MONDO:0042979, OMIM 170400.
Malignant hyperthermia, susceptibility to, 5 (MHS5). Also called: CACNA1S-Related Malignant Hyperthermia Susceptibility. Identifiers: Orphanet 423, MedGen C1866077, MONDO:0011163, OMIM 601887.

gnomAD v4.1: 13 of 1,614,030 alleles (0.00081%); highest among the groups gnomAD compares: Admixed American, 0.0017%; no homozygotes.

Submissions (2):

Institute of Human Genetics Munich, TUM University Hospital
Classification: Pathogenic for Malignant hyperthermia, susceptibility to, 5. Last evaluated: 2024-09-02. Review status: criteria provided, single submitter. Criteria: Classification criteria August 2017. Collection method: clinical testing. Allele origin: paternal. Inheritance: Autosomal dominant inheritance. Affected: yes. Observed: 1 variant allele.

Labcorp Genetics (formerly Invitae), Labcorp
Classification: Pathogenic for Hypokalemic periodic paralysis, type 1; Malignant hyperthermia, susceptibility to, 5. Last evaluated: 2022-03-20. Review status: criteria provided, single submitter. Criteria: Invitae Variant Classification Sherloc (09022015). Collection method: clinical testing. Allele origin: germline.
Comment: For these reasons, this variant has been classified as Pathogenic. This variant has not been reported in the literature in individuals affected with CACNA1S-related conditions. This variant is present in population databases (no rsID available, gnomAD 0.003%). This sequence change creates a premature translational stop signal (p.Arg1254*) in the CACNA1S gene. It is expected to result in an absent or disrupted protein product. Loss-of-function variants in CACNA1S are known to be pathogenic (PMID: 26247046, 28012042).

Literature cited by the submitters: PubMed 26247046 (cited by Labcorp Genetics (formerly Invitae), Labcorp); PubMed 28012042 (cited by Labcorp Genetics (formerly Invitae), Labcorp).